The following is an entry in ClinVar:

NM_000245.4(MET):c.3056G>C (p.Gly1019Ala)

Gene: MET (MET proto-oncogene, receptor tyrosine kinase; plus strand). Cytogenetic location: 7q31.2.
Variant type: single nucleotide variant.
Coding change: c.3056G>C on transcript NM_000245.4 (MANE Select); coding-DNA position 3056, G replaced by C.
Protein change: p.Gly1019Ala; replaces glycine 1019 with alanine.
Molecular consequence: missense variant.
Genome position (GRCh38, 1-based): chr7:116,774,908, G>C. VCF-style: chr7-116774908-G-C. GRCh37 (hg19) VCF-style: chr7-116414962-G-C.
Other names: c.3110G>C, p.Gly1037Ala (NM_001127500.3); c.1766G>C, p.Gly589Ala (NM_001324402.2); short protein forms G1019A, G1037A, G589A.
Identifiers: ClinVar variation 822911 (VCV000822911.7), dbSNP rs1584957697, ClinGen allele CA368987871.

ClinVar aggregate classification (germline): Uncertain significance. Review status: criteria provided, multiple submitters, no conflicts (2 of 4 stars). 2 submissions from 2 submitters: Uncertain significance (2). Last evaluated 2024-11-26.

Conditions:
Renal cell carcinoma. Identifiers: Orphanet 217071, MedGen C0007134, MeSH D002292, MONDO:0005086, HP:0005584.
Hereditary cancer-predisposing syndrome. Also called: Tumor predisposition; Hereditary Cancer Syndrome; Neoplastic Syndromes, Hereditary; Hereditary neoplastic syndrome. Identifiers: Orphanet 140162, MedGen C0027672, MeSH D009386, MONDO:0015356.

Allele frequency attached by ClinVar (database versions not stated): gnomAD exomes below 0.00001.
gnomAD v4.1: 2 of 1,613,988 alleles (0.00012%); highest among the groups gnomAD compares: Non-Finnish European, 0.00017%; no homozygotes.

Submissions (2):

Labcorp Genetics (formerly Invitae), Labcorp
Classification: Uncertain significance for Renal cell carcinoma. Last evaluated: 2024-11-26. Review status: criteria provided, single submitter. Criteria: Invitae Variant Classification Sherloc (09022015). Collection method: clinical testing. Allele origin: germline.
Comment: This sequence change replaces glycine, which is neutral and non-polar, with alanine, which is neutral and non-polar, at codon 1037 of the MET protein (p.Gly1037Ala). This variant is not present in population databases (gnomAD no frequency). This variant has not been reported in the literature in individuals affected with MET-related conditions. ClinVar contains an entry for this variant (Variation ID: 822911). An algorithm developed to predict the effect of missense changes on protein structure and function (PolyPhen-2) suggests that this variant is likely to be disruptive. In summary, the available evidence is currently insufficient to determine the role of this variant in disease. Therefore, it has been classified as a Variant of Uncertain Significance.

Ambry Genetics
Classification: Uncertain significance for Hereditary cancer-predisposing syndrome. Last evaluated: 2024-09-25. Review status: criteria provided, single submitter. Criteria: Ambry Variant Classification Scheme 2023. Collection method: clinical testing. Allele origin: germline.
Comment: The p.G1037A variant (also known as c.3110G>C), located in coding exon 14 of the MET gene, results from a G to C substitution at nucleotide position 3110. The glycine at codon 1037 is replaced by alanine, an amino acid with similar properties. This amino acid position is well conserved in available vertebrate species. In addition, the in silico prediction for this alteration is inconclusive. Based on the available evidence, the clinical significance of this variant remains unclear.